The following is an entry in ClinVar:

NM_001081.4(CUBN):c.260A>G (p.Lys87Arg)

Gene: CUBN (cubilin; minus strand). Cytogenetic location: 10p13.
Variant type: single nucleotide variant.
Coding change: c.260A>G on transcript NM_001081.4 (MANE Select); coding-DNA position 260, A replaced by G.
Protein change: p.Lys87Arg; replaces lysine 87 with arginine.
Molecular consequence: missense variant.
Genome position (GRCh38, 1-based): chr10:17,127,917, T>C on the plus strand (A>G on the coding strand, the complement: CUBN is on the minus strand). VCF-style: chr10-17127917-T-C. GRCh37 (hg19) VCF-style: chr10-17169916-T-C.
Other names: short protein forms K87R.
Identifiers: ClinVar variation 1407820 (VCV001407820.4), dbSNP rs754451499, ClinGen allele CA5425744.

ClinVar aggregate classification (germline): Uncertain significance. Review status: criteria provided, multiple submitters, no conflicts (2 of 4 stars). 2 submissions from 2 submitters: Uncertain significance (2). Last evaluated 2024-04-12.

Conditions:
Proteinuria, chronic benign. Identifiers: MedGen C5394384, MONDO:0030042, OMIM 618884.
Imerslund-Grasbeck syndrome type 1 (IGS1). Also called: Imerslund-Gräsbeck syndrome 1; Megaloblastic anemia 1, Finnish type; MEGALOBLASTIC ANEMIA, 1. Identifiers: MedGen C4016819, MONDO:0100156, OMIM 261100.
Imerslund-Grasbeck syndrome. Also called: PERNICIOUS ANEMIA, JUVENILE, DUE TO SELECTIVE INTESTINAL MALABSORPTION OF VITAMIN B12, WITH PROTEINURIA; Megaloblastic anemia due to inborn errors of metabolism; ENTEROCYTE COBALAMIN MALABSORPTION; ENTEROCYTE INTRINSIC FACTOR RECEPTOR, DEFECT OF; Imerslund-Gräsbeck syndrome. Identifiers: Orphanet 35858, MedGen C4551825, MONDO:0009853.

Allele frequency attached by ClinVar (database versions not stated): TOPMed 0.00002; gnomAD exomes 0.00001 and 0.00003; ExAC 0.00002.
gnomAD v4.1: 8 of 1,598,438 alleles (0.0005%); highest among the groups gnomAD compares: Admixed American, 0.013%; no homozygotes.

Submissions (2):

Fulgent Genetics
Classification: Uncertain significance for Imerslund-Grasbeck syndrome type 1; Proteinuria, chronic benign. Last evaluated: 2024-04-12. Review status: criteria provided, single submitter. Criteria: ACMG Guidelines, 2015. Collection method: clinical testing. Allele origin: germline.

Labcorp Genetics (formerly Invitae), Labcorp
Classification: Uncertain significance for Imerslund-Grasbeck syndrome. Last evaluated: 2022-01-17. Review status: criteria provided, single submitter. Criteria: Invitae Variant Classification Sherloc (09022015). Collection method: clinical testing. Allele origin: germline.
Comment: This sequence change replaces lysine, which is basic and polar, with arginine, which is basic and polar, at codon 87 of the CUBN protein (p.Lys87Arg). This variant is present in population databases (rs754451499, gnomAD 0.02%). This variant has not been reported in the literature in individuals affected with CUBN-related conditions. Algorithms developed to predict the effect of missense changes on protein structure and function output the following: SIFT: "Tolerated"; PolyPhen-2: "Benign"; Align-GVGD: "Class C0". The arginine amino acid residue is found in multiple mammalian species, which suggests that this missense change does not adversely affect protein function. In summary, the available evidence is currently insufficient to determine the role of this variant in disease. Therefore, it has been classified as a Variant of Uncertain Significance.